The following is an entry in ClinVar:

NM_000059.4(BRCA2):c.2143G>A (p.Gly715Arg)

Gene: BRCA2 (BRCA2 DNA repair associated; plus strand). Cytogenetic location: 13q13.1.
Variant type: single nucleotide variant.
Coding change: c.2143G>A on transcript NM_000059.4 (MANE Select); coding-DNA position 2143, G replaced by A.
Protein change: p.Gly715Arg; replaces glycine 715 with arginine.
Molecular consequence: missense variant.
Genome position (GRCh38, 1-based): chr13:32,336,498, G>A. VCF-style: chr13-32336498-G-A. GRCh37 (hg19) VCF-style: chr13-32910635-G-A.
Other names: short protein forms G715R.
Identifiers: ClinVar variation 647104 (VCV000647104.14), dbSNP rs1007336407, ClinGen allele CA247501456.
Genomic context (GRCh38, chr13:32,336,498, plus strand): 5'-AAGGAAAAACTACAGTTATTTATTACCCCAGAAGCTGATTCTCTGTCATGCCTGCAGGAA[G>A]GACAGTGTGAAAATGATCCAAAAAGCAAAAAAGTTTCAGATATAAAAGAAGAGGTCTTGG-3'
Protein context (NP_000050.3, residues 705-725): EADSLSCLQE[Gly715Arg]QCENDPKSKK

ClinVar aggregate classification (germline): Conflicting classifications of pathogenicity. Review status: criteria provided, conflicting classifications (1 of 4 stars). 3 submissions from 3 submitters: Uncertain significance (1); Likely benign (2). Last evaluated 2024-09-16.

Conditions:
Hereditary cancer-predisposing syndrome. Also called: Hereditary Cancer Syndrome; Tumor predisposition; Hereditary neoplastic syndrome; Neoplastic Syndromes, Hereditary. Identifiers: Orphanet 140162, MedGen C0027672, MeSH D009386, MONDO:0015356.
Hereditary breast ovarian cancer syndrome. Also called: Hereditary breast and ovarian cancer; Hereditary breast and ovarian cancer syndrome; BRCA1- and BRCA2-Associated Hereditary Breast and Ovarian Cancer; Hereditary breast and ovarian cancer syndrome (HBOC); Breast and ovarian cancer; Hereditary breast and/or ovarian cancer syndrome. Identifiers: Orphanet 145, MedGen C0677776, MeSH D061325, MONDO:0003582. Disease mechanism: loss of function.

gnomAD v4.1: 1 of 1,614,042 alleles (0.000062%); no homozygotes.

Submissions (3):

Labcorp Genetics (formerly Invitae), Labcorp
Classification: Uncertain significance for Hereditary breast ovarian cancer syndrome. Last evaluated: 2024-09-16. Review status: criteria provided, single submitter. Criteria: Invitae Variant Classification Sherloc (09022015). Collection method: clinical testing. Allele origin: germline.
Comment: This sequence change replaces glycine, which is neutral and non-polar, with arginine, which is basic and polar, at codon 715 of the BRCA2 protein (p.Gly715Arg). This variant is present in population databases (no rsID available, gnomAD no frequency). This variant has not been reported in the literature in individuals affected with BRCA2-related conditions. ClinVar contains an entry for this variant (Variation ID: 647104). Invitae Evidence Modeling of protein sequence and biophysical properties (such as structural, functional, and spatial information, amino acid conservation, physicochemical variation, residue mobility, and thermodynamic stability) indicates that this missense variant is not expected to disrupt BRCA2 protein function with a negative predictive value of 95%. In summary, the available evidence is currently insufficient to determine the role of this variant in disease. Therefore, it has been classified as a Variant of Uncertain Significance.

University of Washington Department of Laboratory Medicine, University of Washington
Classification: Likely benign for Hereditary cancer-predisposing syndrome. Last evaluated: 2023-03-23. Review status: criteria provided, single submitter. Criteria: Dines et al. (Genet Med. 2020). Collection method: curation. Allele origin: germline.
Comment: Missense variant in a coldspot region where missense variants are very unlikely to be pathogenic (PMID:31911673).

BRCA2 exon 11 coldspot. Reclassification based on statistical prior probability.

Ambry Genetics
Classification: Likely benign for Hereditary cancer-predisposing syndrome. Last evaluated: 2019-06-27. Review status: criteria provided, single submitter. Criteria: Ambry Variant Classification Scheme 2023. Collection method: clinical testing. Allele origin: germline.